The following is an entry in ClinVar:

NM_014225.6(PPP2R1A):c.889G>A (p.Glu297Lys)

Gene: PPP2R1A (protein phosphatase 2 scaffold subunit Aalpha; plus strand). Cytogenetic location: 19q13.41.
Variant type: single nucleotide variant.
Coding change: c.889G>A on transcript NM_014225.6 (MANE Select); coding-DNA position 889, G replaced by A.
Protein change: p.Glu297Lys; replaces glutamic acid 297 with lysine.
Molecular consequence: missense variant. On other transcripts: non-coding transcript variant (1).
Genome position (GRCh38, 1-based): chr19:52,215,860, G>A. VCF-style: chr19-52215860-G-A. GRCh37 (hg19) VCF-style: chr19-52719113-G-A.
Other names: c.352G>A, p.Glu118Lys (NM_001363656.2); c.889G>A (NM_014225.5); short protein forms E118K, E297K.
Identifiers: ClinVar variation 4857501 (VCV004857501.2).

ClinVar aggregate classification (germline): Conflicting classifications of pathogenicity. Review status: criteria provided, conflicting classifications (1 of 4 stars). 2 submissions from 2 submitters: Likely pathogenic (1); Uncertain significance (1). Last evaluated 2026-03-25.

Conditions:
Complex neurodevelopmental disorder. Identifiers: Orphanet 528084, MedGen C5568766, MONDO:0100038.

Submissions (2):

GeneDx
Classification: Uncertain significance. Last evaluated: 2026-03-25. Review status: criteria provided, single submitter. Criteria: GeneDx Variant Classification Process June 2021. Collection method: clinical testing. Allele origin: germline.
Comment: Not observed at significant frequency in large population cohorts (gnomAD); In silico analysis supports that this missense variant has a deleterious effect on protein structure/function; Has not been previously published as pathogenic or benign to our knowledge

Genetics and Molecular Pathology, SA Pathology
Classification: Likely pathogenic for Complex neurodevelopmental disorder. Last evaluated: 2023-08-17. Review status: criteria provided, single submitter. Criteria: ACMG Guidelines, 2015. Collection method: clinical testing. Allele origin: germline. Inheritance: Autosomal dominant inheritance. Affected: yes.